The following is an entry in ClinVar:

ClinVar aggregate classification (germline): Pathogenic (1 of 4 stars; one submission).

Submission:

GeneDx
Classification: Pathogenic. Last evaluated: 2012-11-14. Review status: criteria provided, single submitter. Criteria: GeneDx Variant Classification (06012015). Collection method: clinical testing. Allele origin: germline. Affected: yes.
Comment: The c.1886_1887insTT (aka c.1885_1886dupTT) mutation in the CDKL5 gene causes a frameshift starting with codon Leucine 629, changes this amino acid to a Phenylalanine residue and creates a premature Stop codon at position 2 of the new reading frame, denoted p.Leu629PhefsX2. This mutation is predicted to cause loss of normal protein function either through protein truncation or nonsense-mediated mRNA decay. Although this mutation has not been previously reported to our knowledge, many other frameshift mutations in CDKL5 have been published. The variant is found in INFANT-EPI panel(s).

NM_001323289.2(CDKL5):c.1885_1886dup (p.Leu629fs)

Gene: CDKL5 (cyclin dependent kinase like 5; plus strand). Cytogenetic location: Xp22.13.
Variant type: Duplication.
Coding change: c.1885_1886dup on transcript NM_001323289.2 (MANE Select); coding-DNA positions 1885 to 1886, 2 bases duplicated (TT; older notation c.1885_1886dupTT).
Protein change: p.Leu629fs; shifts the reading frame from leucine 629.
Molecular consequence: frameshift variant.
Genome position (GRCh38, 1-based): chrX:18,604,809-18,604,810, TT duplicated. VCF-style (leftmost placement, unchanged base first): chrX-18604808-C-CTT. GRCh37 (hg19) VCF-style: chrX-18622928-C-CTT.
Other names: c.1885_1886dup, p.Leu629fs (NM_001037343.2, NM_003159.3); c.1886_1887insTT (NM_003159.2); short protein forms L629fs.
Identifiers: ClinVar variation 156645 (VCV000156645.1), dbSNP rs587783117, ClinGen allele CA294683.